The following is an entry in ClinVar:

NM_182961.4(SYNE1):c.6723+1G>C

Gene: SYNE1 (spectrin repeat containing nuclear envelope protein 1; minus strand). Cytogenetic location: 6q25.2.
Variant type: single nucleotide variant.
Coding change: c.6723+1G>C on transcript NM_182961.4 (MANE Select); the canonical splice donor site of the intron after coding-DNA position 6723, G replaced by C.
Molecular consequence: splice donor variant.
Genome position (GRCh38, 1-based): chr6:152,407,013, C>G on the plus strand (G>C on the coding strand, the complement: SYNE1 is on the minus strand). VCF-style: chr6-152407013-C-G. GRCh37 (hg19) VCF-style: chr6-152728148-C-G.
Other names: c.6723+1G>C (NM_182961.2); c.6744+1G>C (NM_033071.5).
Identifiers: ClinVar variation 839686 (VCV000839686.9), dbSNP rs779302145, ClinGen allele CA4058014.

ClinVar aggregate classification (germline): Conflicting classifications of pathogenicity. Review status: criteria provided, conflicting classifications (1 of 4 stars). 2 submissions from 2 submitters: Likely pathogenic (1); Uncertain significance (1). Last evaluated 2024-10-08.

Conditions:
Emery-Dreifuss muscular dystrophy 4, autosomal dominant (EDMD4). Also called: EMERY-DREIFUSS MUSCULAR DYSTROPHY 4 WITH VARIABLE FEATURES. Identifiers: Orphanet 261, MedGen C2751807, MONDO:0013071, OMIM 612998.
Autosomal recessive ataxia, Beauce type. Also called: Spinocerebellar ataxia, autosomal recessive 8; ATAXIA, RECESSIVE, OF BEAUCE; SYNE1-Related Autosomal Recessive Cerebellar Ataxia; SYNE1 Deficiency. Identifiers: Orphanet 88644, MedGen C1853116, MONDO:0012549, OMIM 610743.

Allele frequency attached by ClinVar (database versions not stated): ExAC 0.00001; gnomAD exomes 0.00001.
gnomAD v4.1: 21 of 1,612,374 alleles (0.0013%); highest among the groups gnomAD compares: Non-Finnish European, 0.0017%; no homozygotes.

Submissions (2):

Athena Diagnostics
Classification: Uncertain significance. Last evaluated: 2024-10-08. Review status: criteria provided, single submitter. Criteria: Athena Diagnostics Criteria. Collection method: clinical testing. Allele origin: unknown.

Labcorp Genetics (formerly Invitae), Labcorp
Classification: Likely pathogenic for Emery-Dreifuss muscular dystrophy 4, autosomal dominant; Autosomal recessive ataxia, Beauce type. Last evaluated: 2019-03-07. Review status: criteria provided, single submitter. Criteria: Invitae Variant Classification Sherloc (09022015). Collection method: clinical testing. Allele origin: germline.
Comment: This sequence change affects a donor splice site in intron 45 of the SYNE1 gene. It is expected to disrupt RNA splicing and likely results in an absent or disrupted protein product. This variant is present in population databases (rs779302145, ExAC 0.001%). This variant has not been reported in the literature in individuals with SYNE1-related conditions. Donor and acceptor splice site variants typically lead to a loss of protein function (PMID: 16199547), and loss-of-function variants in SYNE1 are known to be pathogenic (PMID: 27086870). In summary, the currently available evidence indicates that the variant is pathogenic, but additional data are needed to prove that conclusively. Therefore, this variant has been classified as Likely Pathogenic.

Literature cited by the submitters: PubMed 16199547 (cited by Labcorp Genetics (formerly Invitae), Labcorp); PubMed 27086870 (cited by Labcorp Genetics (formerly Invitae), Labcorp).